The following is an entry in ClinVar:

ClinVar aggregate classification (germline): Likely benign. Review status: criteria provided, multiple submitters, no conflicts (2 of 4 stars). 3 submissions from 3 submitters: Likely benign (3). Last evaluated 2025-08-18.

Conditions:
Spastic paraplegia. Identifiers: MedGen C0037772, HP:0001258.

Allele frequency attached by ClinVar (database versions not stated): ExAC 0.00001.
gnomAD v4.1: 17 of 1,207,476 alleles (0.0014%); highest among the groups gnomAD compares: South Asian, 0.0018%; no homozygotes.

Submissions (3):

Labcorp Genetics (formerly Invitae), Labcorp
Classification: Likely benign for Spastic paraplegia. Last evaluated: 2025-08-18. Review status: criteria provided, single submitter. Criteria: Invitae Variant Classification Sherloc (09022015). Collection method: clinical testing. Allele origin: germline.

Women's Health and Genetics/Laboratory Corporation of America, LabCorp
Classification: Likely benign. Last evaluated: 2025-07-16. Review status: criteria provided, single submitter. Criteria: LabCorp Variant Classification Summary - May 2015. Collection method: clinical testing. Allele origin: germline.
Comment: Variant summary: L1CAM c.807-7C>T alters a nucleotide located at a position not widely known to affect splicing. Consensus agreement among computation tools predict no significant impact on normal splicing. However, these predictions have yet to be confirmed by functional studies. The variant allele was found at a frequency of 5.5e-06 in 181880 control chromosomes. The available data on variant occurrences in the general population are insufficient to allow any conclusion about variant significance. To our knowledge, no occurrence of c.807-7C>T in individuals affected with L1 Syndrome and no experimental evidence demonstrating its impact on protein function have been reported. ClinVar contains an entry for this variant (Variation ID: 1099944). Based on the evidence outlined above, the variant was classified as likely benign.

Blueprint Genetics
Classification: Likely benign. Last evaluated: 2024-09-04. Review status: criteria provided, single submitter. Criteria: ACMG Guidelines, 2015. Collection method: clinical testing. Allele origin: germline.

NM_001278116.2(L1CAM):c.807-7C>T

Gene: L1CAM (L1 cell adhesion molecule; minus strand). Cytogenetic location: Xq28.
Variant type: single nucleotide variant.
Coding change: c.807-7C>T on transcript NM_001278116.2 (MANE Select); 7 bases into the intron before coding-DNA position 807, C replaced by T.
Molecular consequence: intron variant.
Genome position (GRCh38, 1-based): chrX:153,870,247, G>A on the plus strand (C>T on the coding strand, the complement: L1CAM is on the minus strand). VCF-style: chrX-153870247-G-A. GRCh37 (hg19) VCF-style: chrX-153135702-G-A.
Other names: c.792-7C>T (NM_001143963.2); c.807-7C>T (NM_024003.3, NM_000425.5).
Identifiers: ClinVar variation 1099944 (VCV001099944.11), dbSNP rs782340959, ClinGen allele CA10554486.
Genomic context (GRCh38, chrX:153,870,247, plus strand): 5'-CGGTCGGCTGGCATGGGGCCACTGGGGCGCAGCCATTTGATGGTGGGCGTGGGACTGCCC[G>A]GGAGGCAAAGGGAAGAGAGCAGAAGGGAGAAAGGACAAGGCCAATCACCCCAGCCCCCTA-3'